The following is an entry in ClinVar:

ClinVar aggregate classification (germline): Pathogenic (1 of 4 stars; one submission).

Submission:

Labcorp Genetics (formerly Invitae), Labcorp
Classification: Pathogenic. Last evaluated: 2021-04-21. Review status: criteria provided, single submitter. Criteria: Invitae Variant Classification Sherloc (09022015). Collection method: clinical testing. Allele origin: germline.
Comment: For these reasons, this variant has been classified as Pathogenic. This variant has not been reported in the literature in individuals with EYS-related conditions. This variant is present in population databases (rs770403975, ExAC 0.006%). This sequence change creates a premature translational stop signal (p.Gly467Valfs*48) in the EYS gene. It is expected to result in an absent or disrupted protein product. Loss-of-function variants in EYS are known to be pathogenic (PMID: 18836446, 20333770).

Literature cited by the submitters: PubMed 18836446; PubMed 20333770.

NM_001142800.2(EYS):c.1400del (p.Gly467fs)

Gene: EYS (EGF-like photoreceptor maintenance factor; minus strand). Cytogenetic location: 6q12.
Variant type: Deletion.
Coding change: c.1400del on transcript NM_001142800.2 (MANE Select); coding-DNA position 1400, one base deleted (G; older notation c.1400delG).
Protein change: p.Gly467fs; shifts the reading frame from glycine 467.
Molecular consequence: frameshift variant.
Genome position (GRCh38, 1-based): chr6:65,353,517, C deleted on the plus strand (G on the coding strand, the reverse complement: EYS is on the minus strand); the first of 2 consecutive C bases (chr6:65,353,517-65,353,518); deleting either gives the same sequence. VCF-style (leftmost placement, unchanged base first): chr6-65353516-AC-A. GRCh37 (hg19) VCF-style: chr6-66063409-AC-A.
Other names: c.1400del, p.Gly467fs (NM_001142801.2, NM_001292009.2, NM_198283.2); short protein forms G467fs.
Identifiers: ClinVar variation 1423433 (VCV001423433.7), dbSNP rs770403975, ClinGen allele CA3877766.
Genomic context (GRCh38, chr6:65,353,516, plus strand): 5'-ACCTGCAAATCCCAATTGCCACACATATTCAAATTGAGCAGGACCTTTATCTTGGCAAAT[AC>A]CATGGAAGGTGACTCCACAGTAGCAGAGGTGTTGATGAATTAGGTAAACATTCTTCAAAA-3'